The following is an entry in ClinVar:

NM_005633.4(SOS1):c.742C>T (p.Arg248Cys)

Gene: SOS1 (SOS Ras/Rac guanine nucleotide exchange factor 1; minus strand). Cytogenetic location: 2p22.1.
Variant type: single nucleotide variant.
Coding change: c.742C>T on transcript NM_005633.4 (MANE Select); coding-DNA position 742, C replaced by T.
Protein change: p.Arg248Cys; replaces arginine 248 with cysteine.
Molecular consequence: missense variant.
Genome position (GRCh38, 1-based): chr2:39,051,266, G>A on the plus strand (C>T on the coding strand, the complement: SOS1 is on the minus strand). VCF-style: chr2-39051266-G-A. GRCh37 (hg19) VCF-style: chr2-39278407-G-A.
Other names: c.721C>T, p.Arg241Cys (NM_001382394.1); c.742C>T, p.Arg248Cys (NM_001382395.1); short protein forms R241C, R248C.
Identifiers: ClinVar variation 952557 (VCV000952557.11), dbSNP rs1671008126, ClinGen allele CA346367811.

ClinVar aggregate classification (germline): Conflicting classifications of pathogenicity. Review status: criteria provided, conflicting classifications (1 of 4 stars). 3 submissions from 3 submitters: Likely pathogenic (2); Uncertain significance (1). Last evaluated 2026-02-03.

Conditions:
SOS1-related disorder. Also called: SOS1-related condition.
RASopathy. Also called: Noonan spectrum disorder; rasopathies. Identifiers: Orphanet 536391, MedGen C5555857, MONDO:0021060.
Fibromatosis, gingival, 1 (GINGF1). Identifiers: Orphanet 2024, MedGen C4551558, MONDO:0007609, OMIM 135300.
Noonan syndrome 4 (NS4). Also called: NOONAN SYNDROME WITH PIGMENTED VILLONODULAR SYNOVITIS; SOS1-Related Noonan Syndrome. Identifiers: Orphanet 648, MedGen C1853120, MONDO:0012547, OMIM 610733.

Allele frequency attached by ClinVar (database versions not stated): gnomAD exomes below 0.00001.
gnomAD v4.1: 2 of 1,610,602 alleles (0.00012%); highest among the groups gnomAD compares: South Asian, 0.0011%; no homozygotes.

Submissions (3):

Labcorp Genetics (formerly Invitae), Labcorp
Classification: Likely pathogenic for RASopathy. Last evaluated: 2026-02-03. Review status: criteria provided, single submitter. Criteria: Invitae Variant Classification Sherloc (09022015). Collection method: clinical testing. Allele origin: germline.
Comment: This sequence change replaces arginine, which is basic and polar, with cysteine, which is neutral and slightly polar, at codon 248 of the SOS1 protein (p.Arg248Cys). This variant is not present in population databases (gnomAD no frequency). This missense change has been observed in individuals with Noonan syndrome (PMID: 25862627). ClinVar contains an entry for this variant (Variation ID: 952557). Invitae Evidence Modeling of protein sequence and biophysical properties (such as structural, functional, and spatial information, amino acid conservation, physicochemical variation, residue mobility, and thermodynamic stability) indicates that this missense variant is expected to disrupt SOS1 protein function with a positive predictive value of 95%. In summary, the currently available evidence indicates that the variant is pathogenic, but additional data are needed to prove that conclusively. Therefore, this variant has been classified as Likely Pathogenic.

Blueprint Genetics
Classification: Likely pathogenic for SOS1-related disorders. Last evaluated: 2022-01-07. Review status: criteria provided, single submitter. Criteria: ACMG Guidelines, 2015. Collection method: clinical testing. Allele origin: germline. Affected: yes. Observed: 1 variant allele.

Fulgent Genetics
Classification: Uncertain significance for Fibromatosis, gingival, 1; Noonan syndrome 4. Last evaluated: 2021-10-05. Review status: criteria provided, single submitter. Criteria: ACMG Guidelines, 2015. Collection method: clinical testing. Allele origin: unknown.

Literature cited by the submitters: PubMed 25862627 (cited by Labcorp Genetics (formerly Invitae), Labcorp).